The following is an entry in ClinVar:

NM_000051.4(ATM):c.7028del (p.Asn2343fs)

Genes: ATM (ATM serine/threonine kinase; plus strand), C11orf65 (chromosome 11 open reading frame 65; minus strand). Cytogenetic location: 11q22.3.
Variant type: Deletion.
Coding change: c.7028del on transcript NM_000051.4 (MANE Select); coding-DNA position 7028, one base deleted (A; older notation c.7028delA).
Protein change: p.Asn2343fs; shifts the reading frame from asparagine 2343.
Molecular consequence: frameshift variant. On other transcripts: intron variant (2).
Genome position (GRCh38, 1-based): chr11:108,327,697, A deleted; the last of 2 consecutive A bases (chr11:108,327,696-108,327,697); deleting either gives the same sequence. VCF-style (leftmost placement, unchanged base first): chr11-108327695-CA-C. GRCh37 (hg19) VCF-style: chr11-108198422-CA-C.
Other names: c.7028del, p.Asn2343fs (NM_001351834.2); c.641-18625del (NM_001330368.2); c.*38+7524del (NM_001351110.2); short protein forms N2343fs.
Identifiers: ClinVar variation 826781 (VCV000826781.6), dbSNP rs1591142530, ClinGen allele CA915947672.

ClinVar aggregate classification (germline): Pathogenic (1 of 4 stars; one submission).

Conditions:
Hereditary cancer-predisposing syndrome. Also called: Tumor predisposition; Neoplastic Syndromes, Hereditary; Hereditary Cancer Syndrome; Hereditary neoplastic syndrome. Identifiers: Orphanet 140162, MedGen C0027672, MeSH D009386, MONDO:0015356.

Submission:

Ambry Genetics
Classification: Pathogenic for Hereditary cancer-predisposing syndrome. Last evaluated: 2019-04-19. Review status: criteria provided, single submitter. Criteria: Ambry Variant Classification Scheme 2023. Collection method: clinical testing. Allele origin: germline.
Comment: The c.7028delA pathogenic mutation, located in coding exon 47 of the ATM gene, results from a deletion of one nucleotide at nucleotide position 7028, causing a translational frameshift with a predicted alternate stop codon (p.N2343Tfs*3). This alteration is expected to result in loss of function by premature protein truncation or nonsense-mediated mRNA decay. As such, this alteration is interpreted as a disease-causing mutation.